The following is an entry in ClinVar:

ClinVar aggregate classification (germline): Likely benign. Review status: criteria provided, multiple submitters, no conflicts (2 of 4 stars). 4 submissions from 4 submitters: Likely benign (4). Last evaluated 2023-11-20.

Conditions:
Familial thoracic aortic aneurysm and aortic dissection (TAAD). Also called: Thoracic aortic aneurysms and dissections. Identifiers: Orphanet 91387, MedGen C4707243, MONDO:0019625.
Aortic aneurysm, familial thoracic 4 (AAT4). Also called: AORTIC ANEURYSM/AORTIC DISSECTION AND PATENT DUCTUS ARTERIOSUS. Identifiers: MedGen C1851504, MONDO:0007568, OMIM 132900.

Allele frequency attached by ClinVar (database versions not stated): gnomAD 0.00001; TOPMed 0.00001.
gnomAD v4.1: 3 of 1,613,880 alleles (0.00019%); highest among the groups gnomAD compares: African/African-American, 0.004%; no homozygotes.

Submissions (4):

All of Us Research Program, National Institutes of Health
Classification: Likely benign for Familial thoracic aortic aneurysm and aortic dissection. Last evaluated: 2023-11-20. Review status: criteria provided, single submitter. Criteria: ACMG Guidelines, 2015. Collection method: clinical testing. Allele origin: germline. Inheritance: Autosomal dominant inheritance. Observed: 1 variant allele, 1 heterozygote.
Comment: This study involves interpretation of variants in research participants for the purpose of population health screening. Participant phenotype was not available at the time of variant classification. Additional details can be found in publication PMID: 35346344, PMCID: PMC8962531

Color Diagnostics, LLC DBA Color Health
Classification: Likely benign for Familial thoracic aortic aneurysm and aortic dissection. Last evaluated: 2022-11-06. Review status: criteria provided, single submitter. Criteria: ACMG Guidelines, 2015. Collection method: clinical testing. Allele origin: germline.

Labcorp Genetics (formerly Invitae), Labcorp
Classification: Likely benign for Aortic aneurysm, familial thoracic 4. Last evaluated: 2022-11-04. Review status: criteria provided, single submitter. Criteria: Invitae Variant Classification Sherloc (09022015). Collection method: clinical testing. Allele origin: germline.

Ambry Genetics
Classification: Likely benign for Familial thoracic aortic aneurysm and aortic dissection. Last evaluated: 2022-04-03. Review status: criteria provided, single submitter. Criteria: Ambry Variant Classification Scheme 2023. Collection method: clinical testing. Allele origin: germline.

NM_002474.3(MYH11):c.5713C>A (p.Arg1905=)

Genes: MYH11 (myosin heavy chain 11; minus strand), NDE1 (nudE neurodevelopment protein 1; plus strand). Cytogenetic location: 16p13.11.
Variant type: single nucleotide variant.
Coding change: c.5713C>A on transcript NM_002474.3 (MANE Select); coding-DNA position 5713, C replaced by A.
Protein change: p.Arg1905=; no amino-acid change (arginine 1905 retained).
Molecular consequence: synonymous variant. On other transcripts: intron variant (2).
Genome position (GRCh38, 1-based): chr16:15,714,982, G>T on the plus strand (C>A on the coding strand, the complement: MYH11 is on the minus strand). VCF-style: chr16-15714982-G-T. GRCh37 (hg19) VCF-style: chr16-15808839-G-T.
Other names: c.5734C>A, p.Arg1912= (NM_001040113.2, NM_001040114.2); c.5713C>A, p.Arg1905= (NM_022844.3); c.948-9209G>T (NM_001143979.2, NM_017668.3).
Identifiers: ClinVar variation 1115845 (VCV001115845.12), dbSNP rs749422717, ClinGen allele CA278593503.